The following is an entry in ClinVar:

NM_001378969.1(KCND3):c.1709T>C (p.Met570Thr)

Gene: KCND3 (potassium voltage-gated channel subfamily D member 3; minus strand). Cytogenetic location: 1p13.2.
Variant type: single nucleotide variant.
Coding change: c.1709T>C on transcript NM_001378969.1 (MANE Select); coding-DNA position 1709, T replaced by C.
Protein change: p.Met570Thr; replaces methionine 570 with threonine.
Molecular consequence: missense variant.
Genome position (GRCh38, 1-based): chr1:111,777,083, A>G on the plus strand (T>C on the coding strand, the complement: KCND3 is on the minus strand). VCF-style: chr1-111777083-A-G. GRCh37 (hg19) VCF-style: chr1-112319705-A-G.
Other names: c.1652T>C, p.Met551Thr (NM_001378970.1, NM_172198.3); c.1709T>C, p.Met570Thr (NM_004980.5); short protein forms M570T, M551T.
Identifiers: ClinVar variation 465167 (VCV000465167.8), dbSNP rs1553235743, ClinGen allele CA341656647.

ClinVar aggregate classification (germline): Uncertain significance (1 of 4 stars; one submission).

Conditions:
Spinocerebellar ataxia type 19/22 (SCA19). Also called: SPINOCEREBELLAR ATAXIA 22; SPINOCEREBELLAR ATAXIA 19. Identifiers: Orphanet 98772, MedGen C1846367, MONDO:0011819, OMIM 607346.

Submission:

Labcorp Genetics (formerly Invitae), Labcorp
Classification: Uncertain significance for Spinocerebellar ataxia type 19/22. Last evaluated: 2022-07-06. Review status: criteria provided, single submitter. Criteria: Invitae Variant Classification Sherloc (09022015). Collection method: clinical testing. Allele origin: germline.
Comment: In summary, the available evidence is currently insufficient to determine the role of this variant in disease. Therefore, it has been classified as a Variant of Uncertain Significance. Algorithms developed to predict the effect of missense changes on protein structure and function are either unavailable or do not agree on the potential impact of this missense change (SIFT: "Deleterious"; PolyPhen-2: "Benign"; Align-GVGD: "Class C0"). ClinVar contains an entry for this variant (Variation ID: 465167). This variant has not been reported in the literature in individuals affected with KCND3-related conditions. This variant is not present in population databases (gnomAD no frequency). This sequence change replaces methionine, which is neutral and non-polar, with threonine, which is neutral and polar, at codon 570 of the KCND3 protein (p.Met570Thr).